The following is an entry in ClinVar:

ClinVar aggregate classification (germline): Likely pathogenic (1 of 4 stars; one submission).

Conditions:
Niemann-Pick disease, type A. Also called: SPHINGOMYELIN LIPIDOSIS; SPHINGOMYELINASE DEFICIENCY; Infantile Neurovisceral ASMD (Niemann-Pick Disease Type A; NPD-A). Identifiers: Orphanet 77292, MedGen C0268242, MONDO:0009756, OMIM 257200. Disease mechanism: loss of function.
Niemann-Pick disease, type B. Also called: Chronic Visceral ASMD (Niemann-Pick Disease Type B; NPD-B). Identifiers: Orphanet 77293, MedGen C0268243, MONDO:0011871, OMIM 607616. Disease mechanism: loss of function.

Allele frequency attached by ClinVar (database versions not stated): gnomAD exomes below 0.00001.

Submission:

Labcorp Genetics (formerly Invitae), Labcorp
Classification: Likely pathogenic for Niemann-Pick disease, type B; Niemann-Pick disease, type A. Last evaluated: 2023-11-05. Review status: criteria provided, single submitter. Criteria: Invitae Variant Classification Sherloc (09022015). Collection method: clinical testing. Allele origin: germline.
Comment: This sequence change replaces serine, which is neutral and polar, with asparagine, which is neutral and polar, at codon 250 of the SMPD1 protein (p.Ser250Asn). This variant is not present in population databases (gnomAD no frequency). This variant has not been reported in the literature in individuals affected with SMPD1-related conditions. Advanced modeling of protein sequence and biophysical properties (such as structural, functional, and spatial information, amino acid conservation, physicochemical variation, residue mobility, and thermodynamic stability) performed at Invitae indicates that this missense variant is expected to disrupt SMPD1 protein function with a positive predictive value of 95%. This variant disrupts the p.Ser250 amino acid residue in SMPD1. Other variant(s) that disrupt this residue have been determined to be pathogenic (PMID: 12556236, 15877209, 16642440, 23430884). This suggests that this residue is clinically significant, and that variants that disrupt this residue are likely to be disease-causing. In summary, the currently available evidence indicates that the variant is pathogenic, but additional data are needed to prove that conclusively. Therefore, this variant has been classified as Likely Pathogenic.

Literature cited by the submitters: PubMed 12556236; PubMed 15877209; PubMed 16642440; PubMed 23430884.

NM_000543.5(SMPD1):c.749G>A (p.Ser250Asn)

Gene: SMPD1 (sphingomyelin phosphodiesterase 1; plus strand). Cytogenetic location: 11p15.4.
Variant type: single nucleotide variant.
Coding change: c.749G>A on transcript NM_000543.5 (MANE Select); coding-DNA position 749, G replaced by A.
Protein change: p.Ser250Asn; replaces serine 250 with asparagine.
Molecular consequence: missense variant. On other transcripts: 5 prime UTR variant (1), non-coding transcript variant (1).
Genome position (GRCh38, 1-based): chr11:6,391,814, G>A. VCF-style: chr11-6391814-G-A. GRCh37 (hg19) VCF-style: chr11-6413044-G-A.
Other names: c.746G>A, p.Ser249Asn (NM_001007593.3); c.749G>A, p.Ser250Asn (NM_001318087.2, NM_001365135.2); c.-213G>A (NM_001318088.2); short protein forms S249N, S250N.
Identifiers: ClinVar variation 2939476 (VCV002939476.3), dbSNP rs2493806373, ClinGen allele CA379370929.